The following is an entry in ClinVar:

NM_020884.7(MYH7B):c.5206A>C (p.Lys1736Gln)

Gene: MYH7B (myosin heavy chain 7B; plus strand). Cytogenetic location: 20q11.22.
Variant type: single nucleotide variant.
Coding change: c.5206A>C on transcript NM_020884.7 (MANE Select); coding-DNA position 5206, A replaced by C.
Protein change: p.Lys1736Gln; replaces lysine 1736 with glutamine.
Molecular consequence: missense variant.
Genome position (GRCh38, 1-based): chr20:35,000,795, A>C. VCF-style: chr20-35000795-A-C. GRCh37 (hg19) VCF-style: chr20-33588598-A-C.
Other names: c.5332A>C (NM_020884.4); short protein forms K1736Q.
Identifiers: ClinVar variation 596746 (VCV000596746.20), dbSNP rs201800075, ClinGen allele CA9828458.

ClinVar aggregate classification (germline): Uncertain significance. Review status: criteria provided, multiple submitters, no conflicts (2 of 4 stars). 4 submissions from 4 submitters: Uncertain significance (4). Last evaluated 2026-01-21.

Conditions:
MYH7B-related disorder. Also called: MYH7B-related condition.

Allele frequency attached by ClinVar (database versions not stated): 1000 Genomes Project 30x 0.00031; TOPMed 0.00051; gnomAD exomes 0.00053 and 0.00048; ESP Exome Variant Server 0.00064; ExAC 0.00065; gnomAD 0.00035 and 0.00036; 1000 Genomes Project 0.00040.
gnomAD v4.1: 847 of 1,613,820 alleles (0.052%); highest among the groups gnomAD compares: South Asian, 0.057%; 1 homozygote.

Submissions (4):

PreventionGenetics, part of Exact Sciences
Classification: Uncertain significance for MYH7B-related condition. Last evaluated: 2026-01-21. Review status: criteria provided, single submitter. Criteria: ACMG Guidelines, 2015. Collection method: clinical testing. Allele origin: germline.
Comment: The MYH7B c.5332A>C variant is predicted to result in the amino acid substitution p.Lys1778Gln. To our knowledge, this variant has not been reported in the literature. This variant is reported in 0.064% of alleles in individuals of European (Non-Finnish) descent in gnomAD. Although we suspect that this variant may be benign, at this time, the clinical significance of this variant is uncertain due to the absence of conclusive functional and genetic evidence.

Labcorp Genetics (formerly Invitae), Labcorp
Classification: Uncertain significance. Last evaluated: 2025-11-04. Review status: criteria provided, single submitter. Criteria: Invitae Variant Classification Sherloc (09022015). Collection method: clinical testing. Allele origin: germline.
Comment: This sequence change replaces lysine, which is basic and polar, with glutamine, which is neutral and polar, at codon 1778 of the MYH7B protein (p.Lys1778Gln). This variant is present in population databases (rs201800075, gnomAD 0.06%), and has an allele count higher than expected for a pathogenic variant. This variant has not been reported in the literature in individuals affected with MYH7B-related conditions. ClinVar contains an entry for this variant (Variation ID: 596746). Invitae Evidence Modeling of protein sequence and biophysical properties (such as structural, functional, and spatial information, amino acid conservation, physicochemical variation, residue mobility, and thermodynamic stability) indicates that this missense variant is not expected to disrupt MYH7B protein function with a negative predictive value of 80%. In summary, the available evidence is currently insufficient to determine the role of this variant in disease. Therefore, it has been classified as a Variant of Uncertain Significance.

ARUP Laboratories, Molecular Genetics and Genomics, ARUP Laboratories
Classification: Uncertain significance. Last evaluated: 2020-06-02. Review status: criteria provided, single submitter. Criteria: ARUP Molecular Germline Variant Investigation Process. Collection method: clinical testing. Allele origin: germline.

Eurofins Ntd Llc (ga)
Classification: Uncertain significance. Last evaluated: 2018-03-28. Review status: criteria provided, single submitter. Criteria: EGL ClinVar v180209 classification definitions. Collection method: clinical testing. Allele origin: germline. Observed: 1 variant allele, 1 heterozygote.